The following is an entry in ClinVar:

ClinVar aggregate classification (germline): Likely pathogenic (1 of 4 stars; one submission).

Submission:

Dasa
Classification: Likely pathogenic. Last evaluated: 2025-07-10. Review status: criteria provided, single submitter. Criteria: DASA Assertion Criteria. Collection method: clinical testing. Allele origin: germline.
Comment: NM_003038.5(SLC1A4):c.785_792del (p.Val262Aspfs*93) is a frameshift variant in SLC1A4 predicted to alter the reading frame and introduce a premature termination codon and is predicted to result in an absent or altered protein product. Loss of function is an established disease mechanism for SLC1A4-associated disorders. Also, this variant is absent from population databases. Based on the currently available evidence, this variant is classified as likely pathogenic.

NM_003038.5(SLC1A4):c.785_792del (p.Val262fs)

Gene: SLC1A4 (solute carrier family 1 member 4; plus strand). Cytogenetic location: 2p14.
Variant type: Deletion.
Coding change: c.785_792del on transcript NM_003038.5 (MANE Select); coding-DNA positions 785 to 792, 8 bases deleted (TGTCCTGG; older notation c.785_792delTGTCCTGG).
Protein change: p.Val262fs; shifts the reading frame from valine 262.
Molecular consequence: frameshift variant.
Genome position (GRCh38, 1-based): chr2:65,010,748-65,010,755, TGTCCTGG deleted; deleting any 8 consecutive bases within chr2:65,010,744-65,010,755 gives the same sequence; the c. name uses the placement nearest the transcript's 3' end. VCF-style (leftmost placement, unchanged base first): chr2-65010743-GCTGGTGTC-G. GRCh37 (hg19) VCF-style: chr2-65237877-GCTGGTGTC-G.
Other names: c.125_132del, p.Val42fs (NM_001193493.2, NM_001348406.2, NM_001348407.2); short protein forms V262fs, V42fs.
Identifiers: ClinVar variation 4886576 (VCV004886576.2).